The following is an entry in ClinVar:

NM_000535.7(PMS2):c.1106A>G (p.Lys369Arg)

Gene: PMS2 (PMS1 homolog 2, mismatch repair system component; minus strand). Cytogenetic location: 7p22.1.
Variant type: single nucleotide variant.
Coding change: c.1106A>G on transcript NM_000535.7 (MANE Select); coding-DNA position 1106, A replaced by G.
Protein change: p.Lys369Arg; replaces lysine 369 with arginine.
Molecular consequence: missense variant. On other transcripts: non-coding transcript variant (1), intron variant (2).
Genome position (GRCh38, 1-based): chr7:5,989,838, T>C on the plus strand (A>G on the coding strand, the complement: PMS2 is on the minus strand). VCF-style: chr7-5989838-T-C. GRCh37 (hg19) VCF-style: chr7-6029469-T-C.
Other names: c.701A>G, p.Lys234Arg (NM_001322003.2, NM_001322004.2, NM_001322005.2 and 1 more transcripts); c.788A>G, p.Lys263Arg (NM_001322007.2, NM_001322008.2); c.173A>G, p.Lys58Arg (NM_001322011.2, NM_001322012.2); c.533A>G, p.Lys178Arg (NM_001322013.2); c.1106A>G, p.Lys369Arg (NM_001322014.2); c.797A>G, p.Lys266Arg (NM_001322015.2); c.583+2135A>G (NM_001322010.2); c.988+2135A>G (NM_001322006.2); short protein forms K178R, K234R, K263R, K266R, K369R, K58R.
Identifiers: ClinVar variation 1318481 (VCV001318481.4), dbSNP rs2128747431, ClinGen allele CA366742794.
Genomic context (GRCh38, chr7:5,989,838, plus strand): 5'-TTGTACACTGTATTTTTCTTACCTTCAACATCCAGCAGTGGCTGCTGACTGACATTTAGC[T>C]TGTTGACATCACTATCAAACATTCCTATCAAAGAGGTCTTTAAAACTGCCAACAAAAGCT-3'
Protein context (NP_000526.2, residues 359-379): LIGMFDSDVN[Lys369Arg]LNVSQQPLLD

ClinVar aggregate classification (germline): Uncertain significance. Review status: criteria provided, multiple submitters, no conflicts (2 of 4 stars). 3 submissions from 3 submitters: Uncertain significance (3). Last evaluated 2025-11-04.

Conditions:
Hereditary cancer-predisposing syndrome. Also called: Hereditary Cancer Syndrome; Neoplastic Syndromes, Hereditary; Tumor predisposition; Hereditary neoplastic syndrome. Identifiers: Orphanet 140162, MedGen C0027672, MeSH D009386, MONDO:0015356.

gnomAD v4.1: 1 of 1,613,208 alleles (0.000062%); highest among the groups gnomAD compares: Non-Finnish European, 0.000085%; no homozygotes.

Submissions (3):

Ambry Genetics
Classification: Uncertain significance for Hereditary cancer-predisposing syndrome. Last evaluated: 2025-11-04. Review status: criteria provided, single submitter. Criteria: Ambry Variant Classification Scheme 2023. Collection method: clinical testing. Allele origin: germline.
Comment: The p.K369R variant (also known as c.1106A>G), located in coding exon 10 of the PMS2 gene, results from an A to G substitution at nucleotide position 1106. The lysine at codon 369 is replaced by arginine, an amino acid with highly similar properties. This amino acid position is conserved. In addition, the in silico prediction for this alteration is inconclusive. Based on the available evidence, the clinical significance of this variant remains unclear.

Blueprint Genetics
Classification: Uncertain significance. Last evaluated: 2021-12-08. Review status: criteria provided, single submitter. Criteria: ACMG Guidelines, 2015. Collection method: clinical testing. Allele origin: germline.

GeneDx
Classification: Uncertain significance. Last evaluated: 2020-02-21. Review status: criteria provided, single submitter. Criteria: GeneDx Variant Classification Process June 2021. Collection method: clinical testing. Allele origin: germline. Affected: yes.
Comment: Not observed in large population cohorts (Lek 2016); In silico analysis supports that this missense variant does not alter protein structure/function; Has not been previously published as pathogenic or benign to our knowledge